The following is an entry in ClinVar:

ClinVar aggregate classification (germline): Pathogenic. Review status: criteria provided, multiple submitters, no conflicts (2 of 4 stars). 2 submissions from 2 submitters: Pathogenic (2). Last evaluated 2025-05-27.

Conditions:
Spermatogenic failure 42. Identifiers: MedGen C5231488, MONDO:0032896, OMIM 618745.

Allele frequency attached by ClinVar (database versions not stated): 1000 Genomes Project 30x 0.00094; ESP Exome Variant Server 0.00120; 1000 Genomes Project 0.00060; ExAC 0.00046.
gnomAD v4.1: 330 of 1,510,164 alleles (0.022%); highest among the groups gnomAD compares: African/African-American, 0.3%; no homozygotes.

Submissions (2):

First Genomix Gene Laboratory, Genetic Diagnostics Department
Classification: Pathogenic for Spermatogenic failure 42. Last evaluated: 2025-05-27. Review status: criteria provided, single submitter. Criteria: ACMG Guidelines, 2015. Collection method: clinical testing. Allele origin: germline. Inheritance: Autosomal recessive inheritance. Affected: no. Observed: 1 variant allele.

GeneDx
Classification: Pathogenic. Last evaluated: 2022-08-26. Review status: criteria provided, single submitter. Criteria: GeneDx Variant Classification Process June 2021. Collection method: clinical testing. Allele origin: germline. Affected: yes.
Comment: Published functional studies demonstrate aberrant splicing that results in a null allele effect (Lores et al., 2019); Also known as c.176+1 G>A due to alternate nomenclature; This variant is associated with the following publications: (PMID: 34426522, 31735292)

NM_031956.4(TTC29):c.176+1G>A

Genes: TTC29 (tetratricopeptide repeat domain 29; minus strand), TTC29-AS1 (TTC29 antisense RNA 1; plus strand). Cytogenetic location: 4q31.22.
Variant type: single nucleotide variant.
Coding change: c.176+1G>A on transcript NM_031956.4 (MANE Select); the canonical splice donor site of the intron after coding-DNA position 176, G replaced by A.
Molecular consequence: splice donor variant.
Genome position (GRCh38, 1-based): chr4:146,937,593, C>T on the plus strand (G>A on the coding strand, the complement: TTC29 is on the minus strand). VCF-style: chr4-146937593-C-T. GRCh37 (hg19) VCF-style: chr4-147858745-C-T.
Other names: c.176+1G>A (NM_001317806.3); c.254+1G>A (NM_001300761.4).
Identifiers: ClinVar variation 2442621 (VCV002442621.2), dbSNP rs76715876, ClinGen allele CA3097735.